The following is an entry in ClinVar:

NM_000138.5(FBN1):c.5224+4A>C

Gene: FBN1 (fibrillin 1; minus strand). Cytogenetic location: 15q21.1.
Variant type: single nucleotide variant.
Coding change: c.5224+4A>C on transcript NM_000138.5 (MANE Select); 4 bases into the intron after coding-DNA position 5224, A replaced by C.
Molecular consequence: intron variant.
Genome position (GRCh38, 1-based): chr15:48,463,078, T>G on the plus strand (A>C on the coding strand, the complement: FBN1 is on the minus strand). VCF-style: chr15-48463078-T-G. GRCh37 (hg19) VCF-style: chr15-48755275-T-G.
Identifiers: ClinVar variation 1746171 (VCV001746171.4), dbSNP rs765673140, ClinGen allele CA054453.

ClinVar aggregate classification (germline): Uncertain significance. Review status: criteria provided, multiple submitters, no conflicts (2 of 4 stars). 2 submissions from 2 submitters: Uncertain significance (2). Last evaluated 2024-08-12.

Conditions:
Marfan syndrome (MFS). Also called: Marfan's syndrome; Marfan syndrome, classic; MARFAN SYNDROME, TYPE I; Marfan syndrome type 1; FBN1-Related Marfan Syndrome. Identifiers: Orphanet 284963, Orphanet 558, MedGen C0024796, MONDO:0007947, OMIM 154700.
Familial thoracic aortic aneurysm and aortic dissection (TAAD). Also called: Thoracic aortic aneurysms and dissections. Identifiers: Orphanet 91387, MedGen C4707243, MONDO:0019625.

Allele frequency attached by ClinVar (database versions not stated): gnomAD exomes 0.00001; ExAC 0.00001.
gnomAD v4.1: 20 of 1,613,730 alleles (0.0012%); highest among the groups gnomAD compares: Non-Finnish European, 0.0016%; no homozygotes.

Submissions (2):

Labcorp Genetics (formerly Invitae), Labcorp
Classification: Uncertain significance for Marfan syndrome; Familial thoracic aortic aneurysm and aortic dissection. Last evaluated: 2024-08-12. Review status: criteria provided, single submitter. Criteria: Invitae Variant Classification Sherloc (09022015). Collection method: clinical testing. Allele origin: germline.
Comment: This sequence change falls in intron 42 of the FBN1 gene. It does not directly change the encoded amino acid sequence of the FBN1 protein. It affects a nucleotide within the consensus splice site. This variant is present in population databases (rs765673140, gnomAD 0.0009%). This variant has not been reported in the literature in individuals affected with FBN1-related conditions. ClinVar contains an entry for this variant (Variation ID: 1746171). Variants that disrupt the consensus splice site are a relatively common cause of aberrant splicing (PMID: 17576681, 9536098). Algorithms developed to predict the effect of sequence changes on RNA splicing suggest that this variant is not likely to affect RNA splicing. In summary, the available evidence is currently insufficient to determine the role of this variant in disease. Therefore, it has been classified as a Variant of Uncertain Significance.

Ambry Genetics
Classification: Uncertain significance for Familial thoracic aortic aneurysm and aortic dissection. Last evaluated: 2020-11-30. Review status: criteria provided, single submitter. Criteria: Ambry Variant Classification Scheme 2023. Collection method: clinical testing. Allele origin: germline.
Comment: The c.5224+4A>C intronic variant results from an A to C substitution 4 nucleotides after coding exon 41 in the FBN1 gene. This nucleotide position is not well conserved in available vertebrate species. In silico splice site analysis predicts that this alteration will not have any significant effect on splicing. Since supporting evidence is limited at this time, the clinical significance of this alteration remains unclear.

Literature cited by the submitters: PubMed 17576681 (cited by Labcorp Genetics (formerly Invitae), Labcorp); PubMed 9536098 (cited by Labcorp Genetics (formerly Invitae), Labcorp).